The following is an entry in ClinVar:

ClinVar aggregate classification (germline): Uncertain significance (1 of 4 stars; one submission).

Allele frequency attached by ClinVar (database versions not stated): TOPMed below 0.00001; gnomAD 0.00001.
gnomAD v4.1: 5 of 1,613,932 alleles (0.00031%); highest among the groups gnomAD compares: East Asian, 0.0022%; no homozygotes.

Submission:

Labcorp Genetics (formerly Invitae), Labcorp
Classification: Uncertain significance. Last evaluated: 2022-08-20. Review status: criteria provided, single submitter. Criteria: Invitae Variant Classification Sherloc (09022015). Collection method: clinical testing. Allele origin: germline.
Comment: This variant is present in population databases (rs745438305, gnomAD 0.006%). This sequence change replaces arginine, which is basic and polar, with glutamine, which is neutral and polar, at codon 865 of the HPS5 protein (p.Arg865Gln). In summary, the available evidence is currently insufficient to determine the role of this variant in disease. Therefore, it has been classified as a Variant of Uncertain Significance. Algorithms developed to predict the effect of missense changes on protein structure and function are either unavailable or do not agree on the potential impact of this missense change (SIFT: "Deleterious"; PolyPhen-2: "Probably Damaging"; Align-GVGD: "Class C0"). This variant has not been reported in the literature in individuals affected with HPS5-related conditions.

NM_181507.2(HPS5):c.2594G>A (p.Arg865Gln)

Gene: HPS5 (HPS5 biogenesis of lysosomal organelles complex 2 subunit 2; minus strand). Cytogenetic location: 11p15.1.
Variant type: single nucleotide variant.
Coding change: c.2594G>A on transcript NM_181507.2 (MANE Select); coding-DNA position 2594, G replaced by A.
Protein change: p.Arg865Gln; replaces arginine 865 with glutamine.
Molecular consequence: missense variant.
Genome position (GRCh38, 1-based): chr11:18,287,658, C>T on the plus strand (G>A on the coding strand, the complement: HPS5 is on the minus strand). VCF-style: chr11-18287658-C-T. GRCh37 (hg19) VCF-style: chr11-18309205-C-T.
Other names: c.2252G>A, p.Arg751Gln (NM_007216.4, NM_181508.2); short protein forms R751Q, R865Q.
Identifiers: ClinVar variation 2107993 (VCV002107993.4), dbSNP rs745438305, ClinGen allele CA5909808.